The following is an entry in ClinVar:

ClinVar aggregate classification (germline): Uncertain significance (1 of 4 stars; one submission).

Conditions:
Charcot-Marie-Tooth disease, type I (CMT1). Also called: Charcot-Marie-Tooth disease type 1; Charcot-Marie-Tooth, Type 1. Identifiers: Orphanet 65753, MedGen C0751036, MONDO:0019011.

Submission:

Labcorp Genetics (formerly Invitae), Labcorp
Classification: Uncertain significance for Charcot-Marie-Tooth disease, type I. Last evaluated: 2019-05-03. Review status: criteria provided, single submitter. Criteria: Invitae Variant Classification Sherloc (09022015). Collection method: clinical testing. Allele origin: germline.
Comment: This sequence change replaces arginine with cysteine at codon 415 of the EGR2 protein (p.Arg415Cys). The arginine residue is highly conserved and there is a large physicochemical difference between arginine and cysteine. This variant is not present in population databases (ExAC no frequency). This variant has not been reported in the literature in individuals with EGR2-related conditions. Algorithms developed to predict the effect of missense changes on protein structure and function are either unavailable or do not agree on the potential impact of this missense change (SIFT: "Not Available"; PolyPhen-2: "Possibly Damaging"; Align-GVGD: "Not Available"). In summary, the available evidence is currently insufficient to determine the role of this variant in disease. Therefore, it has been classified as a Variant of Uncertain Significance.

NM_000399.5(EGR2):c.1243C>T (p.Arg415Cys)

Gene: EGR2 (early growth response 2; minus strand). Cytogenetic location: 10q21.3.
Variant type: single nucleotide variant.
Coding change: c.1243C>T on transcript NM_000399.5 (MANE Select); coding-DNA position 1243, C replaced by T.
Protein change: p.Arg415Cys; replaces arginine 415 with cysteine.
Molecular consequence: missense variant.
Genome position (GRCh38, 1-based): chr10:62,813,395, G>A on the plus strand (C>T on the coding strand, the complement: EGR2 is on the minus strand). VCF-style: chr10-62813395-G-A. GRCh37 (hg19) VCF-style: chr10-64573155-G-A.
Other names: c.1243C>T, p.Arg415Cys (NM_001136177.3, NM_001136178.2); c.1093C>T, p.Arg365Cys (NM_001136179.3, NM_001321037.2); short protein forms R365C, R415C.
Identifiers: ClinVar variation 839043 (VCV000839043.8), dbSNP rs1842163429, ClinGen allele CA377027273.